The following is an entry in ClinVar:

NM_000143.4(FH):c.898C>A (p.Leu300Ile)

Gene: FH (fumarate hydratase; minus strand). Cytogenetic location: 1q43.
Variant type: single nucleotide variant.
Coding change: c.898C>A on transcript NM_000143.4 (MANE Select); coding-DNA position 898, C replaced by A.
Protein change: p.Leu300Ile; replaces leucine 300 with isoleucine.
Molecular consequence: missense variant.
Genome position (GRCh38, 1-based): chr1:241,506,009, G>T on the plus strand (C>A on the coding strand, the complement: FH is on the minus strand). VCF-style: chr1-241506009-G-T. GRCh37 (hg19) VCF-style: chr1-241669309-G-T.
Other names: short protein forms L300I.
Identifiers: ClinVar variation 5021757 (VCV005021757.1).
Genomic context (GRCh38, chr1:241,506,009, plus strand): 5'-CAGACCACGTATAATGAGAAATGAAAATGAGAAATAATTCACGTGATCACTAACCTGTAA[G>T]TGCAGCCACTTTTGCAGCAACCTTTTCTGCAAAGCCAATTCTAGTATTTAAACCTGTACC-3'
Protein context (NP_000134.2, residues 290-310): AEKVAAKVAA[Leu300Ile]TGLPFVTAPN

ClinVar aggregate classification (germline): Uncertain significance (1 of 4 stars; one submission).

Conditions:
Hereditary cancer-predisposing syndrome. Also called: Neoplastic Syndromes, Hereditary; Tumor predisposition; Hereditary neoplastic syndrome; Hereditary Cancer Syndrome. Identifiers: Orphanet 140162, MedGen C0027672, MeSH D009386, MONDO:0015356.

Submission:

Ambry Genetics
Classification: Uncertain significance for Hereditary cancer-predisposing syndrome. Last evaluated: 2026-07-07. Review status: criteria provided, single submitter. Criteria: Ambry Variant Classification Scheme 2023. Collection method: clinical testing. Allele origin: germline.
Comment: The p.L300I variant (also known as c.898C>A), located in coding exon 6 of the FH gene, results from a C to A substitution at nucleotide position 898. The leucine at codon 300 is replaced by isoleucine, an amino acid with highly similar properties. This amino acid position is conserved. In addition, the in silico prediction for this alteration is inconclusive. Based on the available evidence, the clinical significance of this variant remains unclear.